The following is an entry in ClinVar:

NM_001394062.1(MACF1):c.11486A>G (p.Gln3829Arg)

Gene: MACF1 (microtubule actin crosslinking factor 1; plus strand). Cytogenetic location: 1p34.3.
Variant type: single nucleotide variant.
Coding change: c.11486A>G on transcript NM_001394062.1 (MANE Select); coding-DNA position 11486, A replaced by G.
Protein change: p.Gln3829Arg; replaces glutamine 3829 with arginine.
Molecular consequence: missense variant.
Genome position (GRCh38, 1-based): chr1:39,357,436, A>G. VCF-style: chr1-39357436-A-G. GRCh37 (hg19) VCF-style: chr1-39823108-A-G.
Other names: c.5300A>G, p.Gln1767Arg (NM_012090.5); short protein forms Q3829R, Q1767R.
Identifiers: ClinVar variation 2794094 (VCV002794094.3), dbSNP rs1317482149, ClinGen allele CA339817781.
Genomic context (GRCh38, chr1:39,357,436, plus strand): 5'-CCCGTCACCAAGAATTGCTGTCCCAGCAGCAAAATTTCATTCTGGCCACCCAGTCAGCTC[A>G]GGCCTTCTTGGATCAGCATGGCCACAATCTCACACCTGAGGAGCAACAGATGCTGCAACA-3'
Protein context (NP_001380991.1, residues 3819-3839): QNFILATQSA[Gln3829Arg]AFLDQHGHNL

ClinVar aggregate classification (germline): Uncertain significance (1 of 4 stars; one submission).

gnomAD v4.1: 2 of 1,614,166 alleles (0.00012%); highest among the groups gnomAD compares: Non-Finnish European, 0.00017%; no homozygotes.

Submission:

Labcorp Genetics (formerly Invitae), Labcorp
Classification: Uncertain significance. Last evaluated: 2023-01-04. Review status: criteria provided, single submitter. Criteria: Invitae Variant Classification Sherloc (09022015). Collection method: clinical testing. Allele origin: germline.
Comment: In summary, the available evidence is currently insufficient to determine the role of this variant in disease. Therefore, it has been classified as a Variant of Uncertain Significance. Algorithms developed to predict the effect of missense changes on protein structure and function (SIFT, PolyPhen-2, Align-GVGD) all suggest that this variant is likely to be tolerated. This variant has not been reported in the literature in individuals affected with MACF1-related conditions. This variant is present in population databases (no rsID available, gnomAD 0.0009%). This sequence change replaces glutamine, which is neutral and polar, with arginine, which is basic and polar, at codon 1767 of the MACF1 protein (p.Gln1767Arg).